The following is an entry in ClinVar:

ClinVar aggregate classification (germline): Uncertain significance. Review status: criteria provided, multiple submitters, no conflicts (2 of 4 stars). 2 submissions from 2 submitters: Uncertain significance (2). Last evaluated 2025-11-08.

Conditions:
Hereditary cancer-predisposing syndrome. Also called: Neoplastic Syndromes, Hereditary; Hereditary Cancer Syndrome; Tumor predisposition; Hereditary neoplastic syndrome. Identifiers: Orphanet 140162, MedGen C0027672, MeSH D009386, MONDO:0015356.

Submissions (2):

Ambry Genetics
Classification: Uncertain significance for Hereditary cancer-predisposing syndrome. Last evaluated: 2025-11-08. Review status: criteria provided, single submitter. Criteria: Ambry Variant Classification Scheme 2023. Collection method: clinical testing. Allele origin: germline.
Comment: The p.P178S variant (also known as c.532C>T), located in coding exon 3 of the NTHL1 gene, results from a C to T substitution at nucleotide position 532. The proline at codon 178 is replaced by serine, an amino acid with similar properties. This amino acid position is highly conserved in available vertebrate species. In addition, this alteration is predicted to be deleterious by in silico analysis. Since supporting evidence is limited at this time, the clinical significance of this alteration remains unclear.

Labcorp Genetics (formerly Invitae), Labcorp
Classification: Uncertain significance. Last evaluated: 2025-06-09. Review status: criteria provided, single submitter. Criteria: Invitae Variant Classification Sherloc (09022015). Collection method: clinical testing. Allele origin: germline.
Comment: This sequence change replaces proline, which is neutral and non-polar, with serine, which is neutral and polar, at codon 178 of the NTHL1 protein (p.Pro178Ser). This variant is not present in population databases (gnomAD no frequency). This variant has not been reported in the literature in individuals affected with NTHL1-related conditions. ClinVar contains an entry for this variant (Variation ID: 943282). An algorithm developed to predict the effect of missense changes on protein structure and function (PolyPhen-2) suggests that this variant is likely to be disruptive. In summary, the available evidence is currently insufficient to determine the role of this variant in disease. Therefore, it has been classified as a Variant of Uncertain Significance.

NM_002528.7(NTHL1):c.508C>T (p.Pro170Ser)

Gene: NTHL1 (nth like DNA glycosylase 1; minus strand). Cytogenetic location: 16p13.3.
Variant type: single nucleotide variant.
Coding change: c.508C>T on transcript NM_002528.7 (MANE Select); coding-DNA position 508, C replaced by T.
Protein change: p.Pro170Ser; replaces proline 170 with serine.
Molecular consequence: missense variant. On other transcripts: intron variant (1).
Genome position (GRCh38, 1-based): chr16:2,044,647, G>A on the plus strand (C>T on the coding strand, the complement: NTHL1 is on the minus strand). VCF-style: chr16-2044647-G-A. GRCh37 (hg19) VCF-style: chr16-2094648-G-A.
Other names: c.178C>T, p.Pro60Ser (NM_001318194.2); c.355-921C>T (NM_001318193.2); short protein forms P170S, P60S.
Identifiers: ClinVar variation 943282 (VCV000943282.13), dbSNP rs551068959, ClinGen allele CA394294109.